The following is an entry in ClinVar:

ClinVar aggregate classification (germline): Uncertain significance (1 of 4 stars; one submission).

Conditions:
Short-rib thoracic dysplasia 6 with or without polydactyly (SRTD6). Also called: POLYDACTYLY WITH NEONATAL CHONDRODYSTROPHY, TYPE II; SHORT RIB-POLYDACTYLY SYNDROME, TYPE IIA; SHORT-RIB THORACIC DYSPLASIA 6 WITH POLYDACTYLY; SHORT-RIB THORACIC DYSPLASIA 6 WITHOUT POLYDACTYLY; Majewski Syndrome. Identifiers: MedGen C0024507, MONDO:0009894, OMIM 263520.

Submission:

Labcorp Genetics (formerly Invitae), Labcorp
Classification: Uncertain significance for Short-rib thoracic dysplasia 6 with or without polydactyly. Last evaluated: 2022-08-23. Review status: criteria provided, single submitter. Criteria: Invitae Variant Classification Sherloc (09022015). Collection method: clinical testing. Allele origin: germline.
Comment: In summary, the available evidence is currently insufficient to determine the role of this variant in disease. Therefore, it has been classified as a Variant of Uncertain Significance. Advanced modeling of protein sequence and biophysical properties (such as structural, functional, and spatial information, amino acid conservation, physicochemical variation, residue mobility, and thermodynamic stability) performed at Invitae indicates that this missense variant is not expected to disrupt NEK1 protein function. ClinVar contains an entry for this variant (Variation ID: 939886). This variant has not been reported in the literature in individuals affected with NEK1-related conditions. This variant is not present in population databases (gnomAD no frequency). This sequence change replaces methionine, which is neutral and non-polar, with leucine, which is neutral and non-polar, at codon 545 of the NEK1 protein (p.Met545Leu).

NM_001199397.3(NEK1):c.1633A>T (p.Met545Leu)

Gene: NEK1 (NIMA related kinase 1; minus strand). Cytogenetic location: 4q33.
Variant type: single nucleotide variant.
Coding change: c.1633A>T on transcript NM_001199397.3 (MANE Select); coding-DNA position 1633, A replaced by T.
Protein change: p.Met545Leu; replaces methionine 545 with leucine.
Molecular consequence: missense variant. On other transcripts: non-coding transcript variant (1).
Genome position (GRCh38, 1-based): chr4:169,537,841, T>A on the plus strand (A>T on the coding strand, the complement: NEK1 is on the minus strand). VCF-style: chr4-169537841-T-A. GRCh37 (hg19) VCF-style: chr4-170458992-T-A.
Other names: c.1501A>T, p.Met501Leu (NM_001199398.3, NM_001199400.3); c.1426A>T, p.Met476Leu (NM_001199399.3); c.1633A>T, p.Met545Leu (NM_001374418.1, NM_001374419.1, NM_012224.4); c.1582A>T, p.Met528Leu (NM_001374420.1); c.1507A>T, p.Met503Leu (NM_001374421.1); short protein forms M501L, M545L, M528L, M476L, M503L.
Identifiers: ClinVar variation 939886 (VCV000939886.9), dbSNP rs1369670600, ClinGen allele CA358732432.